The following is an entry in ClinVar:

NM_020631.6(PLEKHG5):c.1053C>G (p.Tyr351Ter)

Gene: PLEKHG5 (pleckstrin homology and RhoGEF domain containing G5; minus strand). Cytogenetic location: 1p36.31.
Variant type: single nucleotide variant.
Coding change: c.1053C>G on transcript NM_020631.6 (MANE Select); coding-DNA position 1053, C replaced by G.
Protein change: p.Tyr351Ter; replaces tyrosine 351 with a stop codon.
Molecular consequence: nonsense.
Genome position (GRCh38, 1-based): chr1:6,472,554, G>C on the plus strand (C>G on the coding strand, the complement: PLEKHG5 is on the minus strand). VCF-style: chr1-6472554-G-C. GRCh37 (hg19) VCF-style: chr1-6532614-G-C.
Other names: c.1164C>G, p.Tyr388Ter (NM_001042663.3, NM_001265592.2); c.1053C>G, p.Tyr351Ter (NM_001042664.2, NM_001042665.2, NM_001265594.3 and 1 more transcripts); c.1260C>G, p.Tyr420Ter (NM_001265593.2); short protein forms Y351*, Y388*, Y420*.
Identifiers: ClinVar variation 3754321 (VCV003754321.2).

ClinVar aggregate classification (germline): Pathogenic (1 of 4 stars; one submission).

Conditions:
Neuronopathy, distal hereditary motor, autosomal recessive 4. Also called: NEUROPATHY, DISTAL HEREDITARY MOTOR, AUTOSOMAL RECESSIVE 4; Autosomal recessive lower motor neuron disease with childhood onset. Identifiers: Orphanet 206580, MedGen C1970211, MONDO:0012608, OMIM 611067.
Charcot-Marie-Tooth disease recessive intermediate C. Also called: CHARCOT-MARIE-TOOTH NEUROPATHY, RECESSIVE INTERMEDIATE C. Identifiers: Orphanet 369867, MedGen C3809309, MONDO:0014154, OMIM 615376.

gnomAD v4.1: 1 of 1,613,546 alleles (0.000062%); highest among the groups gnomAD compares: Non-Finnish European, 0.000085%; no homozygotes.

Submission:

Labcorp Genetics (formerly Invitae), Labcorp
Classification: Pathogenic for Neuronopathy, distal hereditary motor, autosomal recessive 4; Charcot-Marie-Tooth disease recessive intermediate C. Last evaluated: 2024-02-01. Review status: criteria provided, single submitter. Criteria: Invitae Variant Classification Sherloc (09022015). Collection method: clinical testing. Allele origin: germline.
Comment: This sequence change creates a premature translational stop signal (p.Tyr351*) in the PLEKHG5 gene. It is expected to result in an absent or disrupted protein product. Loss-of-function variants in PLEKHG5 are known to be pathogenic (PMID: 17564964, 23777631). This variant is present in population databases (rs750309626, gnomAD 0.0009%). This variant has not been reported in the literature in individuals affected with PLEKHG5-related conditions. For these reasons, this variant has been classified as Pathogenic.

Literature cited by the submitters: PubMed 17564964; PubMed 23777631.